The following is an entry in ClinVar:

NC_012920.1(MT-CO1):m.7299A>G

Gene: MT-CO1 (mitochondrially encoded cytochrome c oxidase I; plus strand).
Variant type: single nucleotide variant.
Genome position: chrM-7299-A-G.
Identifiers: ClinVar variation 692730 (VCV000692730.1), dbSNP rs879071265, ClinGen allele CA337097598.
Genomic context (GRCh38, chrMT:7,299, plus strand): 5'-GCATACACCACATGAAACATCCTATCATCTGTAGGCTCATTCATTTCTCTAACAGCAGTA[A>G]TATTAATAATTTTCATGATTTGAGAAGCCTTCGCTTCGAAGCGAAAAGTCCTAATAGTAG-3'

ClinVar aggregate classification (germline): Benign (1 of 4 stars; one submission).

Conditions:
Leigh syndrome (NULS). Also called: Leigh's necrotizing encephalopathy; Leigh's disease; Leigh Syndrome (mtDNA deletion); Leigh Disease; Subacute necrotizing encephalopathy; Necrotizing encephalopathy infantile subacute of Leigh. Identifiers: Orphanet 506, MedGen C2931891, MONDO:0009723, OMIM 256000.

Submission:

Wong Mito Lab, Molecular and Human Genetics, Baylor College of Medicine
Classification: Benign for Leigh syndrome. Last evaluated: 2019-10-17. Review status: criteria provided, single submitter. Criteria: Modified ACMG Guidelines (Unpublished). Collection method: clinical testing. Allele origin: germline.
Comment: The NC_012920.1:m.7299A>G (YP_003024028.1:p.Met466Val) variant in MTCO1 gene is interpretated to be a Benign variant based on the modified ACMG guidelines (unpublished). This variant meets the following evidence codes: BS1, BS2, BP4